The following is an entry in ClinVar:

ClinVar aggregate classification (germline): Conflicting classifications of pathogenicity. Review status: criteria provided, conflicting classifications (1 of 4 stars). 2 submissions from 2 submitters: Uncertain significance (1); Benign (1). Last evaluated 2026-01-19.

Conditions:
Familial hypobetalipoproteinemia 1. Also called: APOB-Related Familial Hypobetalipoproteinemia; Hypobetalipoproteinemia, normotriglyceridemic; Acanthocytosis with hypobetalipoproteinemia. Identifiers: MedGen C4551990, MONDO:0014252, OMIM 615558.
Hypercholesterolemia, autosomal dominant, type B (FHCL2). Also called: Familial Hypercholesterolemia Type B; APOLIPOPROTEIN B-100, FAMILIAL DEFECTIVE; APOLIPOPROTEIN B-100, FAMILIAL LIGAND-DEFECTIVE; HYPERCHOLESTEROLEMIA, FAMILIAL, DUE TO LIGAND-DEFECTIVE APOLIPOPROTEIN B; Familial hypercholesterolemia 2; Hyperlipoproteinemia Type IIb. Identifiers: MedGen C1704417, MONDO:0007751, OMIM 144010.
Cardiovascular phenotype. Identifiers: MedGen CN230736.

Allele frequency attached by ClinVar (database versions not stated): gnomAD 0.00003 and 0.00005; TOPMed 0.00003; ExAC 0.00004; gnomAD exomes 0.00004; ESP Exome Variant Server 0.00008.
gnomAD v4.1: 65 of 1,613,950 alleles (0.004%); highest among the groups gnomAD compares: Middle Eastern, 0.066%; 1 homozygote.

Submissions (2):

Labcorp Genetics (formerly Invitae), Labcorp
Classification: Benign for Familial hypobetalipoproteinemia 1; Hypercholesterolemia, autosomal dominant, type B. Last evaluated: 2026-01-19. Review status: criteria provided, single submitter. Criteria: Invitae Variant Classification Sherloc (09022015). Collection method: clinical testing. Allele origin: germline.

Ambry Genetics
Classification: Uncertain significance for Cardiovascular phenotype. Last evaluated: 2024-12-29. Review status: criteria provided, single submitter. Criteria: Ambry Variant Classification Scheme 2023. Collection method: clinical testing. Allele origin: germline.
Comment: The p.A3473T variant (also known as c.10417G>A), located in coding exon 26 of the APOB gene, results from a G to A substitution at nucleotide position 10417. The alanine at codon 3473 is replaced by threonine, an amino acid with similar properties. This amino acid position is conserved. In addition, this alteration is predicted to be tolerated by in silico analysis. Since supporting evidence is limited at this time, the clinical significance of this alteration remains unclear.

NM_000384.3(APOB):c.10417G>A (p.Ala3473Thr)

Gene: APOB (apolipoprotein B; minus strand). Cytogenetic location: 2p24.1.
Variant type: single nucleotide variant.
Coding change: c.10417G>A on transcript NM_000384.3 (MANE Select); coding-DNA position 10417, G replaced by A.
Protein change: p.Ala3473Thr; replaces alanine 3473 with threonine.
Molecular consequence: missense variant.
Genome position (GRCh38, 1-based): chr2:21,006,451, C>T on the plus strand (G>A on the coding strand, the complement: APOB is on the minus strand). VCF-style: chr2-21006451-C-T. GRCh37 (hg19) VCF-style: chr2-21229323-C-T.
Other names: short protein forms A3473T.
Identifiers: ClinVar variation 1436422 (VCV001436422.9), dbSNP rs150790543, ClinGen allele CA043512.
Genomic context (GRCh38, chr2:21,006,451, plus strand): 5'-CAATGGAAAAGTAAGAGGTGAGGCTTTCCAAGCTAAGCTTGTGGTCAACTGCTCCTTTAG[C>T]GGTAGAGTACAGCATTGAAGAATTGAAATCATACTTAAATTCCATGGAGGAAGAGACAGT-3'
Protein context (NP_000375.3, residues 3463-3483): DFNSSMLYST[Ala3473Thr]KGAVDHKLSL